The following is an entry in ClinVar:

ClinVar aggregate classification (germline): Likely benign (1 of 4 stars; one submission).

Allele frequency attached by ClinVar (database versions not stated): gnomAD exomes 0.00013; 1000 Genomes Project 30x 0.00094; 1000 Genomes Project 0.00140.
gnomAD v4.1: 214 of 1,590,774 alleles (0.013%); highest among the groups gnomAD compares: Admixed American, 0.078%; 2 homozygotes.

Submission:

CeGaT Center for Human Genetics Tuebingen
Classification: Likely benign. Last evaluated: 2023-11-01. Review status: criteria provided, single submitter. Criteria: CeGaT Center For Human Genetics Tuebingen Variant Classification Criteria Version 2. Collection method: clinical testing. Allele origin: germline. Affected: yes. Observed: 1 variant allele.
Comment: AHNAK2: BP4

NM_138420.4(AHNAK2):c.6559A>C (p.Met2187Leu)

Gene: AHNAK2 (AHNAK nucleoprotein 2; minus strand). Cytogenetic location: 14q32.33.
Variant type: single nucleotide variant.
Coding change: c.6559A>C on transcript NM_138420.4 (MANE Select); coding-DNA position 6559, A replaced by C.
Protein change: p.Met2187Leu; replaces methionine 2187 with leucine.
Molecular consequence: missense variant.
Genome position (GRCh38, 1-based): chr14:104,948,892, T>G on the plus strand (A>C on the coding strand, the complement: AHNAK2 is on the minus strand). VCF-style: chr14-104948892-T-G. GRCh37 (hg19) VCF-style: chr14-105415229-T-G.
Other names: c.6259A>C, p.Met2087Leu (NM_001350929.2); short protein forms M2087L, M2187L.
Identifiers: ClinVar variation 2672573 (VCV002672573.23), dbSNP rs10134675, ClinGen allele CA7381056.